The following is an entry in ClinVar:

NM_001942.4(DSG1):c.1083T>G (p.Ile361Met)

Gene: DSG1 (desmoglein 1; plus strand). Cytogenetic location: 18q12.1.
Variant type: single nucleotide variant.
Coding change: c.1083T>G on transcript NM_001942.4 (MANE Select); coding-DNA position 1083, T replaced by G.
Protein change: p.Ile361Met; replaces isoleucine 361 with methionine.
Molecular consequence: missense variant.
Genome position (GRCh38, 1-based): chr18:31,336,431, T>G. VCF-style: chr18-31336431-T-G. GRCh37 (hg19) VCF-style: chr18-28916394-T-G.
Other names: short protein forms I361M.
Identifiers: ClinVar variation 4698839 (VCV004698839.1).

ClinVar aggregate classification (germline): Uncertain significance (1 of 4 stars; one submission).

gnomAD v4.1: 1 of 1,613,810 alleles (0.000062%); highest among the groups gnomAD compares: Non-Finnish European, 0.000085%; no homozygotes.

Submission:

Labcorp Genetics (formerly Invitae), Labcorp
Classification: Uncertain significance. Last evaluated: 2025-02-10. Review status: criteria provided, single submitter. Criteria: Invitae Variant Classification Sherloc (09022015). Collection method: clinical testing. Allele origin: germline.
Comment: This sequence change replaces isoleucine, which is neutral and non-polar, with methionine, which is neutral and non-polar, at codon 361 of the DSG1 protein (p.Ile361Met). This variant is present in population databases (no rsID available, gnomAD 0.007%). This variant has not been reported in the literature in individuals affected with DSG1-related conditions. Invitae Evidence Modeling of protein sequence and biophysical properties (such as structural, functional, and spatial information, amino acid conservation, physicochemical variation, residue mobility, and thermodynamic stability) indicates that this missense variant is not expected to disrupt DSG1 protein function with a negative predictive value of 80%. In summary, the available evidence is currently insufficient to determine the role of this variant in disease. Therefore, it has been classified as a Variant of Uncertain Significance.